The following is an entry in ClinVar:

NM_002109.6(HARS1):c.62T>G (p.Leu21Arg)

Genes: HARS1 (histidyl-tRNA synthetase 1; minus strand), LOC129994848 (ATAC-STARR-seq lymphoblastoid active region 23285; plus strand). Cytogenetic location: 5q31.3.
Variant type: single nucleotide variant.
Coding change: c.62T>G on transcript NM_002109.6 (MANE Select); coding-DNA position 62, T replaced by G.
Protein change: p.Leu21Arg; replaces leucine 21 with arginine.
Molecular consequence: missense variant. On other transcripts: intron variant (1).
Genome position (GRCh38, 1-based): chr5:140,691,243, A>C on the plus strand (T>G on the coding strand, the complement: HARS1 is on the minus strand). VCF-style: chr5-140691243-A-C. GRCh37 (hg19) VCF-style: chr5-140070828-A-C.
Other names: c.62T>G, p.Leu21Arg (NM_001258040.3, NM_001258041.3, NM_001258042.3 and 2 more transcripts); c.3+59T>G (NM_001289094.2); short protein forms L21R.
Identifiers: ClinVar variation 839491 (VCV000839491.10), dbSNP rs1759411593, ClinGen allele CA361191711.

ClinVar aggregate classification (germline): Uncertain significance (1 of 4 stars; one submission).

Conditions:
Usher syndrome type 3B. Also called: USHER SYNDROME, TYPE IIIB. Identifiers: MedGen C3281066, MONDO:0013788, OMIM 614504.

Submission:

Labcorp Genetics (formerly Invitae), Labcorp
Classification: Uncertain significance for Usher syndrome type 3B. Last evaluated: 2024-03-04. Review status: criteria provided, single submitter. Criteria: Invitae Variant Classification Sherloc (09022015). Collection method: clinical testing. Allele origin: germline.
Comment: This sequence change replaces leucine, which is neutral and non-polar, with arginine, which is basic and polar, at codon 21 of the HARS protein (p.Leu21Arg). This variant is not present in population databases (gnomAD no frequency). This variant has not been reported in the literature in individuals affected with HARS-related conditions. ClinVar contains an entry for this variant (Variation ID: 839491). An algorithm developed to predict the effect of missense changes on protein structure and function (PolyPhen-2) suggests that this variant is likely to be disruptive. In summary, the available evidence is currently insufficient to determine the role of this variant in disease. Therefore, it has been classified as a Variant of Uncertain Significance.